The following is an entry in ClinVar:

ClinVar aggregate classification (germline): Uncertain significance (1 of 4 stars; one submission).

Submission:

Women's Health and Genetics/Laboratory Corporation of America, LabCorp
Classification: Uncertain significance. Last evaluated: 2021-06-15. Review status: criteria provided, single submitter. Criteria: LabCorp Variant Classification Summary - May 2015. Collection method: clinical testing. Allele origin: germline.
Comment: Variant summary: STAT3 c.1229A>G (p.His410Arg) results in a non-conservative amino acid change located in the DNA-binding domain (IPR013801) of the encoded protein sequence. Five of five in-silico tools predict a damaging effect of the variant on protein function. The variant was absent in 251446 control chromosomes (gnomAD). The available data on variant occurrences in the general population are insufficient to allow any conclusion about variant significance. To our knowledge, no occurrences of c.1229A>G have been reported in individuals affected with Hyper IgE Syndrome. However, somatic occurrences of this variant have been reported in individuals affected with various hematopoietic and lymphoid malignancies (Example: Andersson_2016, Song_2018). In addition, the variant was also reported an individual affected with triple-negative breast cancer (TNBC) (Young-Shin_2018). No clinical diagnostic laboratories have submitted clinical-significance assessments for this variant to ClinVar after 2014. Based on the evidence outlined above, the variant was classified as uncertain significance for Hyper IgE Syndrome until additional information becomes available to determine its role in the Hyper IgE syndrome.

Literature cited by the submitters: PubMed 26419508; PubMed 30054295; PubMed 29920512.

NM_139276.3(STAT3):c.1229A>G (p.His410Arg)

Gene: STAT3 (signal transducer and activator of transcription 3; minus strand). Cytogenetic location: 17q21.2.
Variant type: single nucleotide variant.
Coding change: c.1229A>G on transcript NM_139276.3 (MANE Select); coding-DNA position 1229, A replaced by G.
Protein change: p.His410Arg; replaces histidine 410 with arginine.
Molecular consequence: missense variant.
Genome position (GRCh38, 1-based): chr17:42,329,558, T>C on the plus strand (A>G on the coding strand, the complement: STAT3 is on the minus strand). VCF-style: chr17-42329558-T-C. GRCh37 (hg19) VCF-style: chr17-40481576-T-C.
Other names: c.1229A>G, p.His410Arg (NM_001369512.1, NM_001369513.1, NM_001369514.1 and 12 more transcripts); c.1151A>G, p.His384Arg (NM_001384985.1); c.1244A>G, p.His415Arg (NM_001384986.1, NM_001384990.1); c.1133A>G, p.His378Arg (NM_001384989.1); c.1169A>G, p.His390Arg (NM_001384992.1); short protein forms H378R, H384R, H390R, H410R, H415R.
Identifiers: ClinVar variation 1172909 (VCV001172909.1), dbSNP rs2144772044, ClinGen allele CA399588585.